The following is an entry in ClinVar:

NM_053025.4(MYLK):c.2731T>C (p.Ser911Pro)

Gene: MYLK (myosin light chain kinase; minus strand). Cytogenetic location: 3q21.1.
Variant type: single nucleotide variant.
Coding change: c.2731T>C on transcript NM_053025.4 (MANE Select); coding-DNA position 2731, T replaced by C.
Protein change: p.Ser911Pro; replaces serine 911 with proline.
Molecular consequence: missense variant.
Genome position (GRCh38, 1-based): chr3:123,700,737, A>G on the plus strand (T>C on the coding strand, the complement: MYLK is on the minus strand). VCF-style: chr3-123700737-A-G. GRCh37 (hg19) VCF-style: chr3-123419584-A-G.
Other names: p.Ser911Pro; c.2203T>C, p.Ser735Pro (NM_001321309.2); c.2524T>C, p.Ser842Pro (NM_053026.4, NM_053028.4); c.2731T>C, p.Ser911Pro (NM_053027.4); short protein forms S911P, S735P, S842P.
Identifiers: ClinVar variation 1795303 (VCV001795303.6), dbSNP rs1264439778, ClinGen allele CA354231665.

ClinVar aggregate classification (germline): Uncertain significance. Review status: criteria provided, multiple submitters, no conflicts (2 of 4 stars). 4 submissions from 4 submitters: Uncertain significance (4). Last evaluated 2025-11-15.

Conditions:
Familial thoracic aortic aneurysm and aortic dissection (TAAD). Also called: Thoracic aortic aneurysms and dissections. Identifiers: Orphanet 91387, MedGen C4707243, MONDO:0019625.
Aortic aneurysm, familial thoracic 7 (AAT7). Also called: AORTIC DISSECTION, FAMILIAL, WITH OR WITHOUT AORTIC ANEURYSM. Identifiers: MedGen C3151077, MONDO:0013418, OMIM 613780.

Allele frequency attached by ClinVar (database versions not stated): gnomAD exomes below 0.00001; TOPMed below 0.00001; gnomAD 0.00003.
gnomAD v4.1: 6 of 1,613,914 alleles (0.00037%); highest among the groups gnomAD compares: African/African-American, 0.008%; no homozygotes.

Submissions (4):

Labcorp Genetics (formerly Invitae), Labcorp
Classification: Uncertain significance for Aortic aneurysm, familial thoracic 7. Last evaluated: 2025-11-15. Review status: criteria provided, single submitter. Criteria: Invitae Variant Classification Sherloc (09022015). Collection method: clinical testing. Allele origin: germline.
Comment: This sequence change replaces serine, which is neutral and polar, with proline, which is neutral and non-polar, at codon 911 of the MYLK protein (p.Ser911Pro). This variant is present in population databases (no rsID available, gnomAD 0.03%). This variant has not been reported in the literature in individuals affected with MYLK-related conditions. ClinVar contains an entry for this variant (Variation ID: 1795303). Invitae Evidence Modeling of protein sequence and biophysical properties (such as structural, functional, and spatial information, amino acid conservation, physicochemical variation, residue mobility, and thermodynamic stability) indicates that this missense variant is not expected to disrupt MYLK protein function with a negative predictive value of 80%. In summary, the available evidence is currently insufficient to determine the role of this variant in disease. Therefore, it has been classified as a Variant of Uncertain Significance.

Ambry Genetics
Classification: Uncertain significance for Familial thoracic aortic aneurysm and aortic dissection. Last evaluated: 2025-07-15. Review status: criteria provided, single submitter. Criteria: Ambry Variant Classification Scheme 2023. Collection method: clinical testing. Allele origin: germline.

Mayo Clinic Laboratories, Mayo Clinic
Classification: Uncertain significance. Last evaluated: 2025-03-04. Review status: criteria provided, single submitter. Criteria: ACMG Guidelines, 2015. Collection method: clinical testing. Allele origin: germline. Observed: 1 variant allele.
Comment: BP4_moderate, PM2_supporting

GeneDx
Classification: Uncertain significance. Last evaluated: 2023-10-17. Review status: criteria provided, single submitter. Criteria: GeneDx Variant Classification Process June 2021. Collection method: clinical testing. Allele origin: germline. Affected: yes.
Comment: Has not been previously published as pathogenic or benign to our knowledge; In silico analysis supports that this missense variant does not alter protein structure/function